The following is an entry in ClinVar:

NM_000271.5(NPC1):c.1452G>C (p.Val484=)

Gene: NPC1 (NPC intracellular cholesterol transporter 1; minus strand). Cytogenetic location: 18q11.2.
Variant type: single nucleotide variant.
Coding change: c.1452G>C on transcript NM_000271.5 (MANE Select); coding-DNA position 1452, G replaced by C.
Protein change: p.Val484=; no amino-acid change (valine 484 retained).
Molecular consequence: synonymous variant.
Genome position (GRCh38, 1-based): chr18:23,554,859, C>G on the plus strand (G>C on the coding strand, the complement: NPC1 is on the minus strand). VCF-style: chr18-23554859-C-G. GRCh37 (hg19) VCF-style: chr18-21134823-C-G.
Identifiers: ClinVar variation 796800 (VCV000796800.10), dbSNP rs1191599177, ClinGen allele CA503324963.

ClinVar aggregate classification (germline): Likely benign. Review status: criteria provided, multiple submitters, no conflicts (2 of 4 stars). 2 submissions from 2 submitters: Likely benign (2). Last evaluated 2026-09-01.

Conditions:
Niemann-Pick disease, type C1. Also called: NEUROVISCERAL STORAGE DISEASE WITH VERTICAL SUPRANUCLEAR OPHTHALMOPLEGIA; NIEMANN-PICK DISEASE WITH CHOLESTEROL ESTERIFICATION BLOCK; NIEMANN-PICK DISEASE WITHOUT SPHINGOMYELINASE DEFICIENCY; NIEMANN-PICK DISEASE, CHRONIC NEURONOPATHIC FORM; NIEMANN-PICK DISEASE, VARIANT TYPE C1. Identifiers: Orphanet 646, MedGen C3179455, MONDO:0009757, OMIM 257220.

Allele frequency attached by ClinVar (database versions not stated): gnomAD 0.00001; gnomAD exomes 0.00001 and 0.00002; TOPMed 0.00001.
gnomAD v4.1: 37 of 1,614,040 alleles (0.0023%); highest among the groups gnomAD compares: Non-Finnish European, 0.003%; no homozygotes.

Submissions (2):

CeGaT Center for Human Genetics Tuebingen
Classification: Likely benign. Last evaluated: 2026-09-01. Review status: criteria provided, single submitter. Criteria: CeGaT Center For Human Genetics Tuebingen Variant Classification Criteria Version 2. Collection method: clinical testing. Allele origin: germline. Affected: yes. Observed: 1 variant allele.
Comment: NPC1: BP4, BP7

Labcorp Genetics (formerly Invitae), Labcorp
Classification: Likely benign for Niemann-Pick disease, type C1. Last evaluated: 2025-11-25. Review status: criteria provided, single submitter. Criteria: Invitae Variant Classification Sherloc (09022015). Collection method: clinical testing. Allele origin: germline.